The following is an entry in ClinVar:

ClinVar aggregate classification (germline): Uncertain significance (1 of 4 stars; one submission).

Submission:

CeGaT Center for Human Genetics Tuebingen
Classification: Uncertain significance. Last evaluated: 2024-09-01. Review status: criteria provided, single submitter. Criteria: CeGaT Center For Human Genetics Tuebingen Variant Classification Criteria Version 2. Collection method: clinical testing. Allele origin: germline. Affected: yes. Observed: 1 variant allele.
Comment: PHF8: PM2

NM_015107.3(PHF8):c.2254G>A (p.Asp752Asn)

Gene: PHF8 (PHD finger protein 8; minus strand). Cytogenetic location: Xp11.22.
Variant type: single nucleotide variant.
Coding change: c.2254G>A on transcript NM_015107.3 (MANE Select); coding-DNA position 2254, G replaced by A.
Protein change: p.Asp752Asn; replaces aspartic acid 752 with asparagine.
Molecular consequence: missense variant.
Genome position (GRCh38, 1-based): chrX:53,985,103, C>T on the plus strand (G>A on the coding strand, the complement: PHF8 is on the minus strand). VCF-style: chrX-53985103-C-T. GRCh37 (hg19) VCF-style: chrX-54011536-C-T.
Other names: c.2362G>A, p.Asp788Asn (NM_001184896.1); c.1951G>A, p.Asp651Asn (NM_001184897.2); c.2203G>A, p.Asp735Asn (NM_001184898.2); short protein forms D651N, D735N, D752N, D788N.
Identifiers: ClinVar variation 3388947 (VCV003388947.14).